The following is an entry in ClinVar:

NM_001360016.2(G6PD):c.1104G>C (p.Glu368Asp)

Gene: G6PD (glucose-6-phosphate dehydrogenase; minus strand). Cytogenetic location: Xq28.
Variant type: single nucleotide variant.
Coding change: c.1104G>C on transcript NM_001360016.2 (MANE Select); coding-DNA position 1104, G replaced by C.
Protein change: p.Glu368Asp; replaces glutamic acid 368 with aspartic acid.
Molecular consequence: missense variant.
Genome position (GRCh38, 1-based): chrX:154,532,750, C>G on the plus strand (G>C on the coding strand, the complement: G6PD is on the minus strand). VCF-style: chrX-154532750-C-G. GRCh37 (hg19) VCF-style: chrX-153760965-C-G.
Other names: c.1194G>C, p.Glu398Asp (NM_000402.4); c.1104G>C, p.Glu368Asp (NM_001042351.3); short protein forms E398D, E368D.
Identifiers: ClinVar variation 1398795 (VCV001398795.6), dbSNP rs1421656710, ClinGen allele CA415234220.

ClinVar aggregate classification (germline): Uncertain significance. Review status: criteria provided, multiple submitters, no conflicts (2 of 4 stars). 2 submissions from 2 submitters: Uncertain significance (2). Last evaluated 2024-06-07.

Conditions:
Anemia, nonspherocytic hemolytic, due to G6PD deficiency (CNSHA1). Also called: ANEMIA, CONGENITAL, NONSPHEROCYTIC HEMOLYTIC, 1; Class I glucose-6-phosphate dehydrogenase deficiency; Favism, susceptibility to; Hemolytic anemia due to G6PD deficiency. Identifiers: Orphanet 466026, MedGen C2720289, MONDO:0010480, OMIM 300908.
Malaria, susceptibility to. Identifiers: Orphanet 673, MedGen C1970028, MONDO:0021024, OMIM 611162.

Submissions (2):

Pittsburgh Clinical Genomics Laboratory, University of Pittsburgh Medical Center
Classification: Uncertain significance for Malaria, susceptibility to. Last evaluated: 2024-06-07. Review status: criteria provided, single submitter. Criteria: ACMG Guidelines, 2015. Collection method: clinical testing. Allele origin: germline. Inheritance: X-linked inheritance. Affected: yes.
Comment: This sequence variant is a single nucleotide substitution (G>C) at position 1104 of the coding sequence of the G6PD gene that results in a glutamic acid to aspartic acid amino acid change at residue 368 of the glucose-6-phosphate dehydrogenase protein. This is a previously reported variant (ClinVar 1398795) that has not been observed in individuals affected by a G6PD-related disorder in the published literature, to our knowledge. This variant is absent from the gnomAD v4.1.0 population database (0/~1209000 alleles). Multiple bioinformatic tools predict that this amino acid change would be damaging, and the Glu368 residue at this position is highly conserved across the vertebrate species examined. Studies examining the functional consequence of this variant have not been published, to our knowledge. At this time, there is insufficient evidence to determine if this variant is pathogenic or benign. Therefore, we consider this a variant of uncertain significance. ACMG Criteria: PM2, PP3

Labcorp Genetics (formerly Invitae), Labcorp
Classification: Uncertain significance for Anemia, nonspherocytic hemolytic, due to G6PD deficiency. Last evaluated: 2021-08-26. Review status: criteria provided, single submitter. Criteria: Invitae Variant Classification Sherloc (09022015). Collection method: clinical testing. Allele origin: germline.
Comment: This sequence change replaces glutamic acid with aspartic acid at codon 368 of the G6PD protein (p.Glu368Asp). The glutamic acid residue is highly conserved and there is a small physicochemical difference between glutamic acid and aspartic acid. This variant is not present in population databases (ExAC no frequency). This variant has not been reported in the literature in individuals affected with G6PD-related conditions. Advanced modeling of protein sequence and biophysical properties (such as structural, functional, and spatial information, amino acid conservation, physicochemical variation, residue mobility, and thermodynamic stability) performed at Invitae indicates that this missense variant is expected to disrupt G6PD protein function. In summary, the available evidence is currently insufficient to determine the role of this variant in disease. Therefore, it has been classified as a Variant of Uncertain Significance.